The following is an entry in ClinVar:

NM_006904.7(PRKDC):c.9135C>G (p.Ile3045Met)

Gene: PRKDC (protein kinase, DNA-activated, catalytic subunit; minus strand). Cytogenetic location: 8q11.21.
Variant type: single nucleotide variant.
Coding change: c.9135C>G on transcript NM_006904.7 (MANE Select); coding-DNA position 9135, C replaced by G.
Protein change: p.Ile3045Met; replaces isoleucine 3045 with methionine.
Molecular consequence: missense variant.
Genome position (GRCh38, 1-based): chr8:47,820,920, G>C on the plus strand (C>G on the coding strand, the complement: PRKDC is on the minus strand). VCF-style: chr8-47820920-G-C. GRCh37 (hg19) VCF-style: chr8-48733481-G-C.
Other names: c.9135C>G, p.Ile3045Met (NM_001081640.2); short protein forms I3045M.
Identifiers: ClinVar variation 1765921 (VCV001765921.2), dbSNP rs2551865392, ClinGen allele CA371139923.

ClinVar aggregate classification (germline): Uncertain significance (1 of 4 stars; one submission).

Submission:

Ambry Genetics
Classification: Uncertain significance. Last evaluated: 2022-06-03. Review status: criteria provided, single submitter. Criteria: Ambry Variant Classification Scheme 2023. Collection method: clinical testing. Allele origin: germline.
Comment: The p.I3045M variant (also known as c.9135C>G), located in coding exon 66 of the PRKDC gene, results from a C to G substitution at nucleotide position 9135. The isoleucine at codon 3045 is replaced by methionine, an amino acid with highly similar properties. This amino acid position is conserved. In addition, this alteration is predicted to be deleterious by in silico analysis. Since supporting evidence is limited at this time, the clinical significance of this alteration remains unclear.